The following is an entry in ClinVar:

ClinVar aggregate classification (germline): Uncertain significance. Review status: criteria provided, multiple submitters, no conflicts (2 of 4 stars). 2 submissions from 2 submitters: Uncertain significance (2). Last evaluated 2023-04-25.

Allele frequency attached by ClinVar (database versions not stated): gnomAD exomes below 0.00001; TOPMed below 0.00001; ExAC 0.00001; ESP Exome Variant Server 0.00008.
gnomAD v4.1: 2 of 1,612,956 alleles (0.00012%); highest among the groups gnomAD compares: Non-Finnish European, 0.000085%; no homozygotes.

Submissions (2):

Labcorp Genetics (formerly Invitae), Labcorp
Classification: Uncertain significance. Last evaluated: 2023-04-25. Review status: criteria provided, single submitter. Criteria: Invitae Variant Classification Sherloc (09022015). Collection method: clinical testing. Allele origin: germline.
Comment: In summary, the available evidence is currently insufficient to determine the role of this variant in disease. Therefore, it has been classified as a Variant of Uncertain Significance. Advanced modeling of protein sequence and biophysical properties (such as structural, functional, and spatial information, amino acid conservation, physicochemical variation, residue mobility, and thermodynamic stability) has been performed at Invitae for this missense variant, however the output from this modeling did not meet the statistical confidence thresholds required to predict the impact of this variant on CACNA1E protein function. This variant has not been reported in the literature in individuals affected with CACNA1E-related conditions. This variant is not present in population databases (gnomAD no frequency). This sequence change replaces threonine, which is neutral and polar, with methionine, which is neutral and non-polar, at codon 693 of the CACNA1E protein (p.Thr693Met).

GeneDx
Classification: Uncertain significance. Last evaluated: 2023-01-24. Review status: criteria provided, single submitter. Criteria: GeneDx Variant Classification Process June 2021. Collection method: clinical testing. Allele origin: germline. Affected: yes.
Comment: Not observed at significant frequency in large population cohorts (gnomAD); In silico analysis supports that this missense variant has a deleterious effect on protein structure/function; Has not been previously published as pathogenic or benign to our knowledge; This variant is associated with the following publications: (PMID: 30343943)

NM_001205293.3(CACNA1E):c.2078C>T (p.Thr693Met)

Gene: CACNA1E (calcium voltage-gated channel subunit alpha1 E; plus strand). Cytogenetic location: 1q25.3.
Variant type: single nucleotide variant.
Coding change: c.2078C>T on transcript NM_001205293.3 (MANE Select); coding-DNA position 2078, C replaced by T.
Protein change: p.Thr693Met; replaces threonine 693 with methionine.
Molecular consequence: missense variant.
Genome position (GRCh38, 1-based): chr1:181,724,473, C>T. VCF-style: chr1-181724473-C-T. GRCh37 (hg19) VCF-style: chr1-181693609-C-T.
Other names: c.2078C>T, p.Thr693Met (NM_000721.4, NM_001205294.2); short protein forms T693M.
Identifiers: ClinVar variation 2573896 (VCV002573896.4), dbSNP rs375559507, ClinGen allele CA1275253.